The following is an entry in ClinVar:

NM_000212.3(ITGB3):c.361+1G>A

Gene: ITGB3 (integrin subunit beta 3; plus strand). Cytogenetic location: 17q21.32.
Variant type: single nucleotide variant.
Coding change: c.361+1G>A on transcript NM_000212.3 (MANE Select); the canonical splice donor site of the intron after coding-DNA position 361, G replaced by A.
Molecular consequence: splice donor variant.
Genome position (GRCh38, 1-based): chr17:47,283,550, G>A. VCF-style: chr17-47283550-G-A. GRCh37 (hg19) VCF-style: chr17-45360916-G-A.
Other names: NM_000212.3:c.361+1G>A.
Identifiers: ClinVar variation 1330340 (VCV001330340.3), dbSNP rs2143090512, ClinGen allele CA400021329.
Genomic context (GRCh38, chr17:47,283,550, plus strand): 5'-GAGACAGCTCCCAGGTCACTCAAGTCAGTCCCCAGAGGATTGCACTCCGGCTCCGGCCAG[G>A]TAGGGCTGGGACTCTTTGCGGGGAGAGACCTGAAGCAGGTGGGCATAGAGCACAAGGTGG-3'

ClinVar aggregate classification (germline): Pathogenic. Review status: reviewed by expert panel (3 of 4 stars). 2 submissions from 2 submitters: Pathogenic (1). 1 of the submissions does not count toward it. Last evaluated 2021-09-03.

Conditions:
Glanzmann thrombasthenia. Also called: THROMBASTHENIA OF GLANZMANN AND NAEGELI; BLEEDING DISORDER, PLATELET-TYPE, 2; Thrombasthenia; PLATELET GLYCOPROTEIN IIb-IIIa DEFICIENCY; Glanzmann's thrombasthenia. Identifiers: Orphanet 849, MedGen C0040015, MONDO:0100326.

Allele frequency attached by ClinVar (database versions not stated): gnomAD exomes below 0.00001.
gnomAD v4.1: 1 of 1,614,168 alleles (0.000062%); highest among the groups gnomAD compares: East Asian, 0.0022%; no homozygotes.

Submissions (2):

ClinGen Platelet Disorders Variant Curation Expert Panel, ClinGen
Classification: Pathogenic for Glanzmann thrombasthenia. Last evaluated: 2021-09-03. Review status: reviewed by expert panel. Criteria: ClinGen Platelet ACMG Specifications v2. Collection method: curation. Allele origin: germline. Inheritance: Autosomal recessive inheritance.
Comment: NM_000212.3(ITGB3):c.361+1G>A occurs within the canonical splice donor site of intron 3. It is predicted to cause skipping of biologically-relevant-exon 3/15, resulting in a frameshift (p.Ala56Metfs*23) leading to nonsense mediated decay in a gene in which loss-of-function is an established disease mechanism (PVS1). GT3 of PMID: 32237906 displayed mucocutaneous bleeding and impaired aggregation with all agonists except ristocetin, which is highly specific for Glanzmann thrombasthenia (PP4_moderate). Additionally, β3 surface expression was reduced to 0.61%, as measured by flow cytometry. This variant is absent from gnomAD v2.1.1 (PM2_Supporting). In summary, this variant meets the criteria to be classified as Pathogenic for autosomal recessive Glanzmann Thrombasthenia based on the ACMG/AMP criteria applied, as specified by the ClinGen PD VCEP: PVS1, PP4_moderate, PP3. (VCEP specifications version 2; date of approval 09/02/2021).

Labcorp Genetics (formerly Invitae), Labcorp
Classification: Likely pathogenic. Last evaluated: 2024-02-01. Review status: criteria provided, single submitter. Criteria: Invitae Variant Classification Sherloc (09022015). Collection method: clinical testing. Allele origin: germline. Not counted in ClinVar's aggregate classification.
Comment: This sequence change affects a donor splice site in intron 3 of the ITGB3 gene. It is expected to disrupt RNA splicing. Variants that disrupt the donor or acceptor splice site typically lead to a loss of protein function (PMID: 16199547), and loss-of-function variants in ITGB3 are known to be pathogenic (PMID: 21917754). This variant is not present in population databases (gnomAD no frequency). Disruption of this splice site has been observed in individual(s) with autosomal recessive Glanzmann thrombasthenia (PMID: 32237906). ClinVar contains an entry for this variant (Variation ID: 1330340). Algorithms developed to predict the effect of sequence changes on RNA splicing suggest that this variant may disrupt the consensus splice site. In summary, the currently available evidence indicates that the variant is pathogenic, but additional data are needed to prove that conclusively. Therefore, this variant has been classified as Likely Pathogenic.

Literature cited by the submitters: PubMed 16199547 (cited by Labcorp Genetics (formerly Invitae), Labcorp); PubMed 21917754 (cited by Labcorp Genetics (formerly Invitae), Labcorp); PubMed 32237906 (cited by Labcorp Genetics (formerly Invitae), Labcorp).